The following is an entry in ClinVar:

ClinVar aggregate classification (germline): Uncertain significance. Review status: criteria provided, multiple submitters, no conflicts (2 of 4 stars). 2 submissions from 2 submitters: Uncertain significance (2). Last evaluated 2026-05-18.

Conditions:
Hereditary cancer-predisposing syndrome. Also called: Tumor predisposition; Hereditary neoplastic syndrome; Neoplastic Syndromes, Hereditary; Hereditary Cancer Syndrome. Identifiers: Orphanet 140162, MedGen C0027672, MeSH D009386, MONDO:0015356.
Renal cell carcinoma. Identifiers: Orphanet 217071, MedGen C0007134, MeSH D002292, MONDO:0005086, HP:0005584.

Submissions (2):

Ambry Genetics
Classification: Uncertain significance for Hereditary cancer-predisposing syndrome. Last evaluated: 2026-05-18. Review status: criteria provided, single submitter. Criteria: Ambry Variant Classification Scheme 2023. Collection method: clinical testing. Allele origin: germline.
Comment: The p.N54S variant (also known as c.161A>G), located in coding exon 1 of the MET gene, results from an A to G substitution at nucleotide position 161. The asparagine at codon 54 is replaced by serine, an amino acid with highly similar properties. This amino acid position is conserved. In addition, this alteration is predicted to be tolerated by in silico analysis. Based on the available evidence, the clinical significance of this variant remains unclear.

Labcorp Genetics (formerly Invitae), Labcorp
Classification: Uncertain significance for Renal cell carcinoma. Last evaluated: 2022-12-20. Review status: criteria provided, single submitter. Criteria: Invitae Variant Classification Sherloc (09022015). Collection method: clinical testing. Allele origin: germline.
Comment: This variant has not been reported in the literature in individuals affected with MET-related conditions. In summary, the available evidence is currently insufficient to determine the role of this variant in disease. Therefore, it has been classified as a Variant of Uncertain Significance. Advanced modeling of protein sequence and biophysical properties (such as structural, functional, and spatial information, amino acid conservation, physicochemical variation, residue mobility, and thermodynamic stability) performed at Invitae indicates that this missense variant is not expected to disrupt MET protein function. This variant is not present in population databases (gnomAD no frequency). This sequence change replaces asparagine, which is neutral and polar, with serine, which is neutral and polar, at codon 54 of the MET protein (p.Asn54Ser).

NM_000245.4(MET):c.161A>G (p.Asn54Ser)

Gene: MET (MET proto-oncogene, receptor tyrosine kinase; plus strand). Cytogenetic location: 7q31.2.
Variant type: single nucleotide variant.
Coding change: c.161A>G on transcript NM_000245.4 (MANE Select); coding-DNA position 161, A replaced by G.
Protein change: p.Asn54Ser; replaces asparagine 54 with serine.
Molecular consequence: missense variant. On other transcripts: intron variant (1).
Genome position (GRCh38, 1-based): chr7:116,699,245, A>G. VCF-style: chr7-116699245-A-G. GRCh37 (hg19) VCF-style: chr7-116339299-A-G.
Other names: c.161A>G, p.Asn54Ser (NM_001127500.3, NM_001324401.3); c.-91+26668A>G (NM_001324402.2); short protein forms N54S.
Identifiers: ClinVar variation 2780240 (VCV002780240.4), dbSNP rs2116581845, ClinGen allele CA368968470.